The following is an entry in ClinVar:

NM_001184880.2(PCDH19):c.2496C>T (p.Phe832=)

Genes: PCDH19 (protocadherin 19; minus strand), LOC125467768 (CDK7 strongly-dependent group 2 enhancer GRCh37_chrX:99657381-99658580; plus strand). Cytogenetic location: Xq22.1.
Variant type: single nucleotide variant.
Coding change: c.2496C>T on transcript NM_001184880.2 (MANE Select); coding-DNA position 2496, C replaced by T.
Protein change: p.Phe832=; no amino-acid change (phenylalanine 832 retained).
Molecular consequence: synonymous variant.
Genome position (GRCh38, 1-based): chrX:100,402,644, G>A on the plus strand (C>T on the coding strand, the complement: PCDH19 is on the minus strand). VCF-style: chrX-100402644-G-A. GRCh37 (hg19) VCF-style: chrX-99657642-G-A.
Other names: c.2355C>T, p.Phe785= (NM_001105243.2, NM_020766.3).
Identifiers: ClinVar variation 196321 (VCV000196321.21), dbSNP rs774555485, ClinGen allele CA243231.

ClinVar aggregate classification (germline): Conflicting classifications of pathogenicity. Review status: criteria provided, conflicting classifications (1 of 4 stars). 4 submissions from 4 submitters: Uncertain significance (1); Likely benign (3). Last evaluated 2025-07-01.

Conditions:
Developmental and epileptic encephalopathy, 9 (DEE9). Also called: PCDH19-Related X-Linked Female-Limited Epilepsy with Mental Retardation; Early infantile epileptic encephalopathy 9; EPILEPSY, FEMALE-RESTRICTED, WITH MENTAL RETARDATION; JUBERG-HELLMAN SYNDROME. Identifiers: Orphanet 101039, Orphanet 2076, MedGen C1848137, MONDO:0010246, OMIM 300088. Disease mechanism: loss of function.

Allele frequency attached by ClinVar (database versions not stated): ExAC 0.00001; gnomAD 0.00001; gnomAD exomes 0.00001; TOPMed 0.00002.
gnomAD v4.1: 8 of 1,209,913 alleles (0.00066%); highest among the groups gnomAD compares: Admixed American, 0.0044%; no homozygotes.

Submissions (4):

CeGaT Center for Human Genetics Tuebingen
Classification: Likely benign. Last evaluated: 2025-07-01. Review status: criteria provided, single submitter. Criteria: CeGaT Center For Human Genetics Tuebingen Variant Classification Criteria Version 2. Collection method: clinical testing. Allele origin: germline. Affected: yes. Observed: 1 variant allele.
Comment: PCDH19: BP4, BP7

Labcorp Genetics (formerly Invitae), Labcorp
Classification: Likely benign for Developmental and epileptic encephalopathy, 9. Last evaluated: 2024-10-24. Review status: criteria provided, single submitter. Criteria: Invitae Variant Classification Sherloc (09022015). Collection method: clinical testing. Allele origin: germline.

GeneDx
Classification: Likely benign. Last evaluated: 2015-11-04. Review status: criteria provided, single submitter. Criteria: GeneDx Variant Classification (06012015). Collection method: clinical testing. Allele origin: germline. Affected: yes.
Comment: This variant is considered likely benign or benign based on one or more of the following criteria: it is a conservative change, it occurs at a poorly conserved position in the protein, it is predicted to be benign by multiple in silico algorithms, and/or has population frequency not consistent with disease.

Eurofins Ntd Llc (ga)
Classification: Uncertain significance. Last evaluated: 2014-11-03. Review status: criteria provided, single submitter. Criteria: EGL Classification Definitions 2015. Collection method: clinical testing. Allele origin: germline. Observed: 1 variant allele, 1 heterozygote.